The following is an entry in ClinVar:

NM_000465.4(BARD1):c.564del (p.Ala189fs)

Gene: BARD1 (BRCA1 associated RING domain 1; minus strand). Cytogenetic location: 2q35.
Variant type: Deletion.
Coding change: c.564del on transcript NM_000465.4 (MANE Select); coding-DNA position 564, one base deleted (T; older notation c.564delT).
Protein change: p.Ala189fs; shifts the reading frame from alanine 189.
Molecular consequence: frameshift variant. On other transcripts: non-coding transcript variant (2), intron variant (3).
Genome position (GRCh38, 1-based): chr2:214,781,310, A deleted on the plus strand (T on the coding strand, the reverse complement: BARD1 is on the minus strand). VCF-style (leftmost placement, unchanged base first): chr2-214781309-CA-C. GRCh37 (hg19) VCF-style: chr2-215646033-CA-C.
Other names: c.507del, p.Ala170fs (NM_001282543.2); c.158+28102del (NM_001282548.2); c.215+15751del (NM_001282545.2); c.364+10987del (NM_001282549.2); short protein forms A170fs, A189fs.
Identifiers: ClinVar variation 3651756 (VCV003651756.2).
Genomic context (GRCh38, chr2:214,781,309, plus strand): 5'-TCTTTTTTTGCTTTTTTCCAGATCTTGCAGAAGCCTTTTTAGCCCTCTCAGAAACATCTG[CA>C]GGAGGACTTGGGGAAACAAATTCATATGAGTCTTGCTGAGCACTTGCATCTTTTTTTATT-3'

ClinVar aggregate classification (germline): Pathogenic (1 of 4 stars; one submission).

Conditions:
Familial cancer of breast. Also called: hereditary breast carcinoma; BREAST CANCER, FAMILIAL; Hereditary breast cancer. Identifiers: Orphanet 227535, MedGen C0346153, MONDO:0016419, OMIM 114480. Disease mechanism: loss of function.

Submission:

Labcorp Genetics (formerly Invitae), Labcorp
Classification: Pathogenic for Familial cancer of breast. Last evaluated: 2024-05-01. Review status: criteria provided, single submitter. Criteria: Invitae Variant Classification Sherloc (09022015). Collection method: clinical testing. Allele origin: germline.
Comment: This sequence change creates a premature translational stop signal (p.Ala189Glnfs*23) in the BARD1 gene. It is expected to result in an absent or disrupted protein product. Loss-of-function variants in BARD1 are known to be pathogenic (PMID: 20077502, 21344236). This variant is not present in population databases (gnomAD no frequency). This variant has not been reported in the literature in individuals affected with BARD1-related conditions. For these reasons, this variant has been classified as Pathogenic.

Literature cited by the submitters: PubMed 20077502; PubMed 21344236.